The following is an entry in ClinVar:

ClinVar aggregate classification (germline): Uncertain significance (1 of 4 stars; one submission).

Conditions:
Hereditary cancer-predisposing syndrome. Also called: Neoplastic Syndromes, Hereditary; Tumor predisposition; Hereditary Cancer Syndrome; Hereditary neoplastic syndrome. Identifiers: Orphanet 140162, MedGen C0027672, MeSH D009386, MONDO:0015356.

Submission:

Ambry Genetics
Classification: Uncertain significance for Hereditary cancer-predisposing syndrome. Last evaluated: 2024-08-29. Review status: criteria provided, single submitter. Criteria: Ambry Variant Classification Scheme 2023. Collection method: clinical testing. Allele origin: germline.
Comment: The p.K615N variant (also known as c.1845G>T), located in coding exon 14 of the SDHA gene, results from a G to T substitution at nucleotide position 1845. The lysine at codon 615 is replaced by asparagine, an amino acid with similar properties. This amino acid position is well conserved in available vertebrate species. In addition, the in silico prediction for this alteration is inconclusive. Based on the available evidence, the clinical significance of this variant remains unclear.

NM_004168.4(SDHA):c.1845G>T (p.Lys615Asn)

Gene: SDHA (succinate dehydrogenase complex flavoprotein subunit A; plus strand). Cytogenetic location: 5p15.33.
Variant type: single nucleotide variant.
Coding change: c.1845G>T on transcript NM_004168.4 (MANE Select); coding-DNA position 1845, G replaced by T.
Protein change: p.Lys615Asn; replaces lysine 615 with asparagine.
Molecular consequence: missense variant.
Genome position (GRCh38, 1-based): chr5:254,443, G>T. VCF-style: chr5-254443-G-T. GRCh37 (hg19) VCF-style: chr5-254558-G-T.
Other names: c.1701G>T, p.Lys567Asn (NM_001294332.2); c.1602G>T, p.Lys534Asn (NM_001330758.2); short protein forms K534N, K567N, K615N.
Identifiers: ClinVar variation 1781234 (VCV001781234.3), dbSNP rs1442827207, ClinGen allele CA359001921.